The following is an entry in ClinVar:

NM_001267550.2(TTN):c.105945A>G (p.Lys35315=)

Genes: TTN (titin; minus strand), TTN-AS1 (TTN antisense RNA 1; plus strand), LOC129935183 (ATAC-STARR-seq lymphoblastoid active region 16808; plus strand). Cytogenetic location: 2q31.2.
Variant type: single nucleotide variant.
Coding change: c.105945A>G on transcript NM_001267550.2 (MANE Select); coding-DNA position 105945, A replaced by G.
Protein change: p.Lys35315=; no amino-acid change (lysine 35315 retained).
Molecular consequence: synonymous variant.
Genome position (GRCh38, 1-based): chr2:178,530,670, T>C on the plus strand (A>G on the coding strand, the complement: TTN is on the minus strand). VCF-style: chr2-178530670-T-C. GRCh37 (hg19) VCF-style: chr2-179395397-T-C.
Other names: c.101022A>G, p.Lys33674= (NM_001256850.1); c.78750A>G, p.Lys26250= (NM_003319.4); c.98241A>G, p.Lys32747= (NM_133378.4); c.79125A>G, p.Lys26375= (NM_133432.3); c.79326A>G, p.Lys26442= (NM_133437.4).
Identifiers: ClinVar variation 1648428 (VCV001648428.11), dbSNP rs750183638, ClinGen allele CA1985185.

ClinVar aggregate classification (germline): Likely benign. Review status: criteria provided, multiple submitters, no conflicts (2 of 4 stars). 3 submissions from 3 submitters: Likely benign (3). Last evaluated 2026-02-24.

Conditions:
TTN-related disorder. Also called: TTN-related disorders; TTN-related condition; TTN-related disease.
Cardiovascular phenotype. Identifiers: MedGen CN230736.
Autosomal recessive limb-girdle muscular dystrophy type 2J (LGMDR10). Also called: MUSCULAR DYSTROPHY, LIMB-GIRDLE, AUTOSOMAL RECESSIVE 10; Limb-girdle muscular dystrophy, type 2J. Identifiers: Orphanet 140922, MedGen C1837342, MONDO:0012127, OMIM 608807.
Dilated cardiomyopathy 1G (CMD1G). Identifiers: Orphanet 154, MedGen C1858763, MONDO:0011400, OMIM 604145.

Allele frequency attached by ClinVar (database versions not stated): gnomAD exomes below 0.00001; ExAC 0.00001; gnomAD 0.00001.
gnomAD v4.1: 4 of 1,613,924 alleles (0.00025%); highest among the groups gnomAD compares: Non-Finnish European, 0.00034%; no homozygotes.

Submissions (3):

PreventionGenetics, part of Exact Sciences
Classification: Likely benign for TTN-related condition. Last evaluated: 2026-02-24. Review status: criteria provided, single submitter. Criteria: ACMG Guidelines, 2015. Collection method: clinical testing. Allele origin: germline.
Comment: This variant is classified as likely benign based on ACMG/AMP sequence variant interpretation guidelines (Richards et al. 2015 PMID: 25741868, with internal and published modifications).

Labcorp Genetics (formerly Invitae), Labcorp
Classification: Likely benign for Dilated cardiomyopathy 1G; Autosomal recessive limb-girdle muscular dystrophy type 2J. Last evaluated: 2025-12-19. Review status: criteria provided, single submitter. Criteria: Invitae Variant Classification Sherloc (09022015). Collection method: clinical testing. Allele origin: germline.

Ambry Genetics
Classification: Likely benign for Cardiovascular phenotype. Last evaluated: 2023-02-28. Review status: criteria provided, single submitter. Criteria: Ambry Variant Classification Scheme 2023. Collection method: clinical testing. Allele origin: germline.